The following is an entry in ClinVar:

NC_000017.11:g.8248105C>T

Genes: CTC1 (CST telomere replication complex component 1; minus strand), PFAS (phosphoribosylformylglycinamidine synthase; plus strand), LOC130060238 (ATAC-STARR-seq lymphoblastoid silent region 8178; plus strand). Cytogenetic location: 17p13.1.
Variant type: single nucleotide variant.
Genome position: GRCh38 VCF-style: chr17-8248105-C-T. GRCh37 (hg19) VCF-style: chr17-8151423-C-T.
Identifiers: ClinVar variation 369246 (VCV000369246.10), dbSNP rs9900352, ClinGen allele CA10654576.

ClinVar aggregate classification (germline): Benign. Review status: criteria provided, multiple submitters, no conflicts (2 of 4 stars). 3 submissions from 3 submitters: Benign (3). Last evaluated 2024-01-24.

Allele frequency attached by ClinVar (database versions not stated): gnomAD exomes 0.05790; gnomAD 0.08888; TOPMed 0.11911; 1000 Genomes Project 0.16813; 1000 Genomes Project 30x 0.16927.
gnomAD v4.1: 63,377 of 980,718 alleles (6.5%); highest among the groups gnomAD compares: East Asian, 34%; 6,530 homozygotes.

Submissions (3):

Unidad de Genómica Garrahan, Hospital de Pediatría Garrahan
Classification: Benign. Last evaluated: 2024-01-24. Review status: criteria provided, single submitter. Criteria: ACMG Guidelines, 2015. Collection method: clinical testing. Allele origin: germline. Affected: no. Observed: 39 variant alleles.
Comment: This variant is classified as Benign based on local population frequency. This variant was detected in 41% of patients studied by a panel of primary immunodeficiencies. Number of patients: 39. Only high quality variants are reported.

GeneDx
Classification: Benign. Last evaluated: 2018-11-12. Review status: criteria provided, single submitter. Criteria: GeneDx Variant Classification Process June 2021. Collection method: clinical testing. Allele origin: germline. Affected: yes.

Breakthrough Genomics
Classification: Benign. Review status: criteria provided, single submitter. Criteria: ACMG Guidelines, 2015. Collection method: not provided. Allele origin: germline. Inheritance: Autosomal recessive inheritance. Affected: yes.